The following is an entry in ClinVar:

ClinVar aggregate classification (germline): Pathogenic (1 of 4 stars; one submission).

Conditions:
Charcot-Marie-Tooth disease axonal type 2Z. Also called: CHARCOT-MARIE-TOOTH DISEASE, AXONAL, AUTOSOMAL DOMINANT, TYPE 2Z; CHARCOT-MARIE-TOOTH NEUROPATHY, TYPE 2Z. Identifiers: Orphanet 466768, MedGen C5569025, MONDO:0014736, OMIM 616688.

Submission:

Labcorp Genetics (formerly Invitae), Labcorp
Classification: Pathogenic for Charcot-Marie-Tooth disease axonal type 2Z. Last evaluated: 2020-07-24. Review status: criteria provided, single submitter. Criteria: Invitae Variant Classification Sherloc (09022015). Collection method: clinical testing. Allele origin: germline.
Comment: This sequence change replaces cysteine with tyrosine at codon 345 of the MORC2 protein (p.Cys345Tyr). The cysteine residue is highly conserved and there is a large physicochemical difference between cysteine and tyrosine. This variant is not present in population databases (ExAC no frequency). This variant has been observed in individual(s) with Charcot-Marie-Tooth disease (PMID: 28771897, Invitae). In at least one individual the variant was observed to be de novo. ClinVar contains an entry for this variant (Variation ID: 660304). Algorithms developed to predict the effect of missense changes on protein structure and function are either unavailable or do not agree on the potential impact of this missense change (SIFT: "Deleterious"; PolyPhen-2: "Probably Damaging"; Align-GVGD: "Class C15"). For these reasons, this variant has been classified as Pathogenic.

Literature cited by the submitters: PubMed 28771897.

NM_001303256.3(MORC2):c.1220G>A (p.Cys407Tyr)

Gene: MORC2 (MORC family CW-type zinc finger 2; minus strand). Cytogenetic location: 22q12.2.
Variant type: single nucleotide variant.
Coding change: c.1220G>A on transcript NM_001303256.3 (MANE Select); coding-DNA position 1220, G replaced by A.
Protein change: p.Cys407Tyr; replaces cysteine 407 with tyrosine.
Molecular consequence: missense variant.
Genome position (GRCh38, 1-based): chr22:30,937,964, C>T on the plus strand (G>A on the coding strand, the complement: MORC2 is on the minus strand). VCF-style: chr22-30937964-C-T. GRCh37 (hg19) VCF-style: chr22-31333951-C-T.
Other names: c.1220G>A, p.Cys407Tyr (NM_001303257.2); c.1034G>A, p.Cys345Tyr (NM_014941.3); short protein forms C345Y, C407Y.
Identifiers: ClinVar variation 660304 (VCV000660304.9), dbSNP rs1555938741, ClinGen allele CA411239136.